The following is an entry in ClinVar:

NM_003803.4(MYOM1):c.1442C>G (p.Thr481Arg)

Gene: MYOM1 (myomesin 1; minus strand). Cytogenetic location: 18p11.31.
Variant type: single nucleotide variant.
Coding change: c.1442C>G on transcript NM_003803.4 (MANE Select); coding-DNA position 1442, C replaced by G.
Protein change: p.Thr481Arg; replaces threonine 481 with arginine.
Molecular consequence: missense variant.
Genome position (GRCh38, 1-based): chr18:3,164,337, G>C on the plus strand (C>G on the coding strand, the complement: MYOM1 is on the minus strand). VCF-style: chr18-3164337-G-C. GRCh37 (hg19) VCF-style: chr18-3164335-G-C.
Other names: c.1442C>G, p.Thr481Arg (NM_019856.2); short protein forms T481R.
Identifiers: ClinVar variation 239568 (VCV000239568.9), dbSNP rs370177143, ClinGen allele CA10583698.

ClinVar aggregate classification (germline): Uncertain significance. Review status: criteria provided, multiple submitters, no conflicts (2 of 4 stars). 2 submissions from 2 submitters: Uncertain significance (2). Last evaluated 2025-06-30.

Conditions:
Hypertrophic cardiomyopathy. Also called: HYPERTROPHIC MYOCARDIOPATHY. Identifiers: Orphanet 217569, MedGen C0007194, MeSH D002312, MONDO:0005045, HP:0001639.

Allele frequency attached by ClinVar (database versions not stated): gnomAD exomes below 0.00001 and 0.00001; gnomAD 0.00001; TOPMed 0.00005; ESP Exome Variant Server 0.00008.
gnomAD v4.1: 12 of 1,612,608 alleles (0.00074%); highest among the groups gnomAD compares: East Asian, 0.0045%; no homozygotes.

Submissions (2):

Ambry Genetics
Classification: Uncertain significance. Last evaluated: 2025-06-30. Review status: criteria provided, single submitter. Criteria: Ambry Variant Classification Scheme 2023. Collection method: clinical testing. Allele origin: germline.
Comment: The p.T481R variant (also known as c.1442C>G), located in coding exon 9 of the MYOM1 gene, results from a C to G substitution at nucleotide position 1442. The threonine at codon 481 is replaced by arginine, an amino acid with similar properties. This amino acid position is conserved. In addition, this alteration is predicted to be deleterious by in silico analysis. Based on the available evidence, the clinical significance of this variant remains unclear.

Labcorp Genetics (formerly Invitae), Labcorp
Classification: Uncertain significance for Hypertrophic cardiomyopathy. Last evaluated: 2021-08-28. Review status: criteria provided, single submitter. Criteria: Invitae Variant Classification Sherloc (09022015). Collection method: clinical testing. Allele origin: germline.
Comment: This sequence change replaces threonine with arginine at codon 481 of the MYOM1 protein (p.Thr481Arg). The threonine residue is highly conserved and there is a moderate physicochemical difference between threonine and arginine. This variant is not present in population databases (ExAC no frequency). This variant has not been reported in the literature in individuals affected with MYOM1-related conditions. ClinVar contains an entry for this variant (Variation ID: 239568). Algorithms developed to predict the effect of missense changes on protein structure and function (SIFT, PolyPhen-2, Align-GVGD) all suggest that this variant is likely to be disruptive. In summary, the available evidence is currently insufficient to determine the role of this variant in disease. Therefore, it has been classified as a Variant of Uncertain Significance.